The following is an entry in ClinVar:

ClinVar aggregate classification (germline): Likely benign (1 of 4 stars; one submission).

Conditions:
INVS-related disorder. Also called: INVS-related condition.

Submission:

PreventionGenetics, part of Exact Sciences
Classification: Likely benign for INVS-related condition. Last evaluated: 2024-12-14. Review status: criteria provided, single submitter. Criteria: ACMG Guidelines, 2015. Collection method: clinical testing. Allele origin: germline.
Comment: This variant is classified as likely benign based on ACMG/AMP sequence variant interpretation guidelines (Richards et al. 2015 PMID: 25741868, with internal and published modifications).

NM_014425.5(INVS):c.2250G>A (p.Val750=)

Gene: INVS (inversin; plus strand). Cytogenetic location: 9q31.1.
Variant type: single nucleotide variant.
Coding change: c.2250G>A on transcript NM_014425.5 (MANE Select); coding-DNA position 2250, G replaced by A.
Protein change: p.Val750=; no amino-acid change (valine 750 retained).
Molecular consequence: synonymous variant. On other transcripts: non-coding transcript variant (1).
Genome position (GRCh38, 1-based): chr9:100,292,507, G>A. VCF-style: chr9-100292507-G-A. GRCh37 (hg19) VCF-style: chr9-103054789-G-A.
Other names: c.1962G>A, p.Val654= (NM_001318381.2); c.1272G>A, p.Val424= (NM_001318382.2).
Identifiers: ClinVar variation 5000358 (VCV005000358.1).